The following is an entry in ClinVar:

NM_001365088.1(SLC12A6):c.321C>T (p.Asp107=)

Gene: SLC12A6 (solute carrier family 12 member 6; minus strand). Cytogenetic location: 15q14.
Variant type: single nucleotide variant.
Coding change: c.321C>T on transcript NM_001365088.1 (MANE Select); coding-DNA position 321, C replaced by T.
Protein change: p.Asp107=; no amino-acid change (aspartic acid 107 retained).
Molecular consequence: synonymous variant.
Genome position (GRCh38, 1-based): chr15:34,261,016, G>A on the plus strand (C>T on the coding strand, the complement: SLC12A6 is on the minus strand). VCF-style: chr15-34261016-G-A. GRCh37 (hg19) VCF-style: chr15-34553217-G-A.
Other names: c.144C>T, p.Asp48= (NM_001042494.2, NM_001042495.2); c.294C>T, p.Asp98= (NM_001042496.2); c.276C>T, p.Asp92= (NM_001042497.2); c.168C>T, p.Asp56= (NM_005135.2); c.321C>T, p.Asp107= (NM_133647.2).
Identifiers: ClinVar variation 730333 (VCV000730333.15), dbSNP rs141909782, ClinGen allele CA7464592.

ClinVar aggregate classification (germline): Likely benign. Review status: criteria provided, multiple submitters, no conflicts (2 of 4 stars). 4 submissions from 4 submitters: Likely benign (3). 1 of the submissions does not count toward it. Last evaluated 2026-06-09.

Conditions:
Inborn genetic diseases. Identifiers: MedGen C0950123, MeSH D030342.
SLC12A6-related disorder. Also called: SLC12A6-related condition.

Allele frequency attached by ClinVar (database versions not stated): gnomAD 0.00007 and 0.00011; gnomAD exomes 0.00009 and 0.00022; ESP Exome Variant Server 0.00015; TOPMed 0.00016; ExAC 0.00024; 1000 Genomes Project 0.00080; 1000 Genomes Project 30x 0.00109.
gnomAD v4.1: 149 of 1,526,240 alleles (0.0098%); highest among the groups gnomAD compares: South Asian, 0.091%; no homozygotes.

Submissions (4):

Women's Health and Genetics/Laboratory Corporation of America, LabCorp
Classification: Likely benign. Last evaluated: 2026-06-09. Review status: criteria provided, single submitter. Criteria: LabCorp Variant Classification Summary - May 2015. Collection method: clinical testing. Allele origin: germline.

Labcorp Genetics (formerly Invitae), Labcorp
Classification: Likely benign. Last evaluated: 2025-10-15. Review status: criteria provided, single submitter. Criteria: Invitae Variant Classification Sherloc (09022015). Collection method: clinical testing. Allele origin: germline.

Ambry Genetics
Classification: Likely benign for Inborn genetic diseases. Last evaluated: 2025-01-21. Review status: criteria provided, single submitter. Criteria: Ambry Variant Classification Scheme 2023. Collection method: clinical testing. Allele origin: germline.

PreventionGenetics, part of Exact Sciences
Classification: Likely benign for SLC12A6-related condition. Last evaluated: 2022-06-17. Review status: no assertion criteria provided. Collection method: clinical testing. Allele origin: germline. Not counted in ClinVar's aggregate classification.
Comment: This variant is classified as likely benign based on ACMG/AMP sequence variant interpretation guidelines (Richards et al. 2015 PMID: 25741868, with internal and published modifications).